The following is an entry in ClinVar:

NM_000784.4(CYP27A1):c.702C>A (p.Pro234=)

Gene: CYP27A1 (cytochrome P450 family 27 subfamily A member 1; plus strand). Cytogenetic location: 2q35.
Variant type: single nucleotide variant.
Coding change: c.702C>A on transcript NM_000784.4 (MANE Select); coding-DNA position 702, C replaced by A.
Protein change: p.Pro234=; no amino-acid change (proline 234 retained).
Molecular consequence: synonymous variant.
Genome position (GRCh38, 1-based): chr2:218,812,607, C>A. VCF-style: chr2-218812607-C-A. GRCh37 (hg19) VCF-style: chr2-219677330-C-A.
Identifiers: ClinVar variation 3348503 (VCV003348503.1).

ClinVar aggregate classification (germline): Likely benign (0 of 4 stars; one submission).

Conditions:
CYP27A1-related disorder. Also called: CYP27A1-related condition.

gnomAD v4.1: 1 of 1,614,222 alleles (0.000062%); highest among the groups gnomAD compares: Non-Finnish European, 0.000085%; no homozygotes.

Submission:

PreventionGenetics, part of Exact Sciences
Classification: Likely benign for CYP27A1-related condition. Last evaluated: 2024-05-01. Review status: no assertion criteria provided. Collection method: clinical testing. Allele origin: germline.
Comment: This variant is classified as likely benign based on ACMG/AMP sequence variant interpretation guidelines (Richards et al. 2015 PMID: 25741868, with internal and published modifications).